The following is an entry in ClinVar:

ClinVar aggregate classification (germline): Uncertain significance. Review status: criteria provided, multiple submitters, no conflicts (2 of 4 stars). 2 submissions from 2 submitters: Uncertain significance (2). Last evaluated 2022-08-19.

Conditions:
Cardiovascular phenotype. Identifiers: MedGen CN230736.
Cholestanol storage disease (CTX). Also called: CEREBRAL CHOLESTERINOSIS; Cerebrotendinous Xanthomatosis; CTX: Cerebrotendinous xanthomatosis. Identifiers: Orphanet 909, MedGen C0238052, MONDO:0008948, OMIM 213700.

Allele frequency attached by ClinVar (database versions not stated): gnomAD exomes below 0.00001.
gnomAD v4.1: 2 of 1,614,212 alleles (0.00012%); highest among the groups gnomAD compares: Non-Finnish European, 0.000085%; no homozygotes.

Submissions (2):

Labcorp Genetics (formerly Invitae), Labcorp
Classification: Uncertain significance for Cholestanol storage disease. Last evaluated: 2022-08-19. Review status: criteria provided, single submitter. Criteria: Invitae Variant Classification Sherloc (09022015). Collection method: clinical testing. Allele origin: germline.
Comment: This sequence change replaces leucine, which is neutral and non-polar, with glutamine, which is neutral and polar, at codon 516 of the CYP27A1 protein (p.Leu516Gln). This variant is present in population databases (no rsID available, gnomAD 0.007%). This variant has not been reported in the literature in individuals affected with CYP27A1-related conditions. Algorithms developed to predict the effect of missense changes on protein structure and function are either unavailable or do not agree on the potential impact of this missense change (SIFT: "Deleterious"; PolyPhen-2: "Probably Damaging"; Align-GVGD: "Class C0"). Algorithms developed to predict the effect of sequence changes on RNA splicing suggest that this variant may create or strengthen a splice site. In summary, the available evidence is currently insufficient to determine the role of this variant in disease. Therefore, it has been classified as a Variant of Uncertain Significance.

Ambry Genetics
Classification: Uncertain significance for Cardiovascular phenotype. Last evaluated: 2021-12-18. Review status: criteria provided, single submitter. Criteria: Ambry Variant Classification Scheme 2023. Collection method: clinical testing. Allele origin: germline.
Comment: The p.L516Q variant (also known as c.1547T>A), located in coding exon 9 of the CYP27A1 gene, results from a T to A substitution at nucleotide position 1547. The leucine at codon 516 is replaced by glutamine, an amino acid with dissimilar properties. This amino acid position is conserved. In addition, this alteration is predicted to be deleterious by in silico analysis. Since supporting evidence is limited at this time, the clinical significance of this alteration remains unclear.

NM_000784.4(CYP27A1):c.1547T>A (p.Leu516Gln)

Gene: CYP27A1 (cytochrome P450 family 27 subfamily A member 1; plus strand). Cytogenetic location: 2q35.
Variant type: single nucleotide variant.
Coding change: c.1547T>A on transcript NM_000784.4 (MANE Select); coding-DNA position 1547, T replaced by A.
Protein change: p.Leu516Gln; replaces leucine 516 with glutamine.
Molecular consequence: missense variant.
Genome position (GRCh38, 1-based): chr2:218,814,981, T>A. VCF-style: chr2-218814981-T-A. GRCh37 (hg19) VCF-style: chr2-219679704-T-A.
Other names: short protein forms L516Q.
Identifiers: ClinVar variation 1774963 (VCV001774963.4), dbSNP rs1415177344, ClinGen allele CA350596610.